The following is an entry in ClinVar:

NM_001135649.3(FOXI3):c.113G>C (p.Gly38Ala)

Gene: FOXI3 (forkhead box I3; minus strand). Cytogenetic location: 2p11.2.
Variant type: single nucleotide variant.
Coding change: c.113G>C on transcript NM_001135649.3 (MANE Select); coding-DNA position 113, G replaced by C.
Protein change: p.Gly38Ala; replaces glycine 38 with alanine.
Molecular consequence: missense variant.
Genome position (GRCh38, 1-based): chr2:88,452,423, C>G on the plus strand (G>C on the coding strand, the complement: FOXI3 is on the minus strand). VCF-style: chr2-88452423-C-G. GRCh37 (hg19) VCF-style: chr2-88751941-C-G.
Other names: c.113G>C (NM_001135649.1); short protein forms G38A.
Identifiers: ClinVar variation 1361082 (VCV001361082.7), dbSNP rs1251422571, ClinGen allele CA347767030.

ClinVar aggregate classification (germline): Uncertain significance. Review status: criteria provided, multiple submitters, no conflicts (2 of 4 stars). 2 submissions from 2 submitters: Uncertain significance (2). Last evaluated 2024-04-09.

Conditions:
Inborn genetic diseases. Identifiers: MedGen C0950123, MeSH D030342.

gnomAD v4.1: 12 of 1,016,094 alleles (0.0012%); highest among the groups gnomAD compares: Non-Finnish European, 0.0014%; no homozygotes.

Submissions (2):

Ambry Genetics
Classification: Uncertain significance for Inborn genetic diseases. Last evaluated: 2024-04-09. Review status: criteria provided, single submitter. Criteria: Ambry Variant Classification Scheme 2023. Collection method: clinical testing. Allele origin: germline.

Labcorp Genetics (formerly Invitae), Labcorp
Classification: Uncertain significance. Last evaluated: 2023-03-11. Review status: criteria provided, single submitter. Criteria: Invitae Variant Classification Sherloc (09022015). Collection method: clinical testing. Allele origin: germline.
Comment: In summary, the available evidence is currently insufficient to determine the role of this variant in disease. Therefore, it has been classified as a Variant of Uncertain Significance. Experimental studies and prediction algorithms are not available or were not evaluated, and the functional significance of this variant is currently unknown. This variant is present in population databases (no rsID available, gnomAD 0.007%). This sequence change replaces glycine, which is neutral and non-polar, with alanine, which is neutral and non-polar, at codon 38 of the FOXI3 protein (p.Gly38Ala). This variant has not been reported in the literature in individuals affected with FOXI3-related conditions. ClinVar contains an entry for this variant (Variation ID: 1361082).